The following is an entry in ClinVar:

ClinVar aggregate classification (germline): Uncertain significance. Review status: criteria provided, multiple submitters, no conflicts (2 of 4 stars). 2 submissions from 2 submitters: Uncertain significance (2). Last evaluated 2025-06-25.

Conditions:
Inborn genetic diseases. Identifiers: MedGen C0950123, MeSH D030342.

Allele frequency attached by ClinVar (database versions not stated): ExAC 0.00001; TOPMed 0.00002; gnomAD 0.00003; gnomAD exomes 0.00003.
gnomAD v4.1: 47 of 1,613,424 alleles (0.0029%); highest among the groups gnomAD compares: Non-Finnish European, 0.0038%; no homozygotes.

Submissions (2):

Ambry Genetics
Classification: Uncertain significance for Inborn genetic diseases. Last evaluated: 2025-06-25. Review status: criteria provided, single submitter. Criteria: Ambry Variant Classification Scheme 2023. Collection method: clinical testing. Allele origin: germline.

Labcorp Genetics (formerly Invitae), Labcorp
Classification: Uncertain significance. Last evaluated: 2022-09-13. Review status: criteria provided, single submitter. Criteria: Invitae Variant Classification Sherloc (09022015). Collection method: clinical testing. Allele origin: germline.
Comment: This sequence change replaces alanine, which is neutral and non-polar, with threonine, which is neutral and polar, at codon 445 of the RTTN protein (p.Ala445Thr). This variant is present in population databases (rs758472910, gnomAD 0.01%). This variant has not been reported in the literature in individuals affected with RTTN-related conditions. Advanced modeling of protein sequence and biophysical properties (such as structural, functional, and spatial information, amino acid conservation, physicochemical variation, residue mobility, and thermodynamic stability) performed at Invitae indicates that this missense variant is not expected to disrupt RTTN protein function. In summary, the available evidence is currently insufficient to determine the role of this variant in disease. Therefore, it has been classified as a Variant of Uncertain Significance.

NM_173630.4(RTTN):c.1333G>A (p.Ala445Thr)

Gene: RTTN (rotatin; minus strand). Cytogenetic location: 18q22.2.
Variant type: single nucleotide variant.
Coding change: c.1333G>A on transcript NM_173630.4 (MANE Select); coding-DNA position 1333, G replaced by A.
Protein change: p.Ala445Thr; replaces alanine 445 with threonine.
Molecular consequence: missense variant. On other transcripts: 5 prime UTR variant (1).
Genome position (GRCh38, 1-based): chr18:70,176,818, C>T on the plus strand (G>A on the coding strand, the complement: RTTN is on the minus strand). VCF-style: chr18-70176818-C-T. GRCh37 (hg19) VCF-style: chr18-67844054-C-T.
Other names: c.-1221G>A (NM_001318520.2); c.1333G>A (NM_173630.3); short protein forms A445T.
Identifiers: ClinVar variation 1953474 (VCV001953474.3), dbSNP rs758472910, ClinGen allele CA8996201.